The following is an entry in ClinVar:

ClinVar aggregate classification (germline): Uncertain significance. Review status: criteria provided, multiple submitters, no conflicts (2 of 4 stars). 6 submissions from 6 submitters: Uncertain significance (6). Last evaluated 2026-06-15.

Conditions:
PLEC-related disorder. Also called: PLEC-related condition; PLEC-related disorders.
Autosomal recessive limb-girdle muscular dystrophy type 2Q (LGMDR17). Also called: MUSCULAR DYSTROPHY, LIMB-GIRDLE, AUTOSOMAL RECESSIVE 17. Identifiers: Orphanet 254361, MedGen C3150989, MONDO:0013390, OMIM 613723.
Epidermolysis bullosa simplex, Ogna type (EBS5A). Also called: Pidermolysis bullosa simplex 5A, Ogna type; EPIDERMOLYSIS BULLOSA SIMPLEX 5A, OGNA TYPE. Identifiers: Orphanet 79401, MedGen C0432317, MONDO:0007555, OMIM 131950.
Epidermolysis bullosa simplex with nail dystrophy (EBS5D). Identifiers: MedGen C4225309, MONDO:0014661, OMIM 616487.
Epidermolysis bullosa simplex 5C, with pyloric atresia (EBS5C). Also called: PLEC-Related Epidermolysis Bullosa with Pyloric Atresia; Epidermolysis bullosa simplex with pyloric atresia; PLEC1-Related Epidermolysis Bullosa with Pyloric Atresia. Identifiers: Orphanet 158684, MedGen C2677349, MONDO:0012807, OMIM 612138.
Epidermolysis bullosa simplex 5B, with muscular dystrophy (EBS5B). Also called: EPIDERMOLYSIS BULLOSA SIMPLEX AND LIMB-GIRDLE MUSCULAR DYSTROPHY; Epidermolysis bullosa simplex with muscular dystrophy. Identifiers: Orphanet 257, MedGen C2931072, MONDO:0009181, OMIM 226670.
Inborn genetic diseases. Identifiers: MedGen C0950123, MeSH D030342.

Allele frequency attached by ClinVar (database versions not stated): TOPMed 0.00005; gnomAD 0.00006; ExAC 0.00015; gnomAD exomes 0.00015.
gnomAD v4.1: 111 of 1,598,580 alleles (0.0069%); highest among the groups gnomAD compares: Admixed American, 0.013%; no homozygotes.

Submissions (6):

PreventionGenetics, part of Exact Sciences
Classification: Uncertain significance for PLEC-related condition. Last evaluated: 2026-06-15. Review status: criteria provided, single submitter. Criteria: ACMG Guidelines, 2015. Collection method: clinical testing. Allele origin: germline.
Comment: The PLEC c.6479C>T variant is predicted to result in the amino acid substitution p.Ala2160Val. This variant was reported in an individual with dilated cardiomyopathy (Supplementary table, Voinescu et al. 2024. PubMed ID: 38473809). This variant is reported in 0.022% of alleles in individuals of European (Non-Finnish) descent in gnomAD. At this time, the clinical significance of this variant is uncertain due to the absence of conclusive functional and genetic evidence.

Labcorp Genetics (formerly Invitae), Labcorp
Classification: Uncertain significance for Autosomal recessive limb-girdle muscular dystrophy type 2Q; Epidermolysis bullosa simplex, Ogna type; Epidermolysis bullosa simplex with nail dystrophy; Epidermolysis bullosa simplex 5C, with pyloric atresia; Epidermolysis bullosa simplex 5B, with muscular dystrophy. Last evaluated: 2025-08-02. Review status: criteria provided, single submitter. Criteria: Invitae Variant Classification Sherloc (09022015). Collection method: clinical testing. Allele origin: germline.
Comment: This sequence change replaces alanine, which is neutral and non-polar, with valine, which is neutral and non-polar, at codon 2160 of the PLEC protein (p.Ala2160Val). This variant is present in population databases (rs782011662, gnomAD 0.02%). This variant has not been reported in the literature in individuals affected with PLEC-related conditions. ClinVar contains an entry for this variant (Variation ID: 845372). An algorithm developed to predict the effect of missense changes on protein structure and function (PolyPhen-2) suggests that this variant is likely to be tolerated. In summary, the available evidence is currently insufficient to determine the role of this variant in disease. Therefore, it has been classified as a Variant of Uncertain Significance.

Ambry Genetics
Classification: Uncertain significance for Inborn genetic diseases. Last evaluated: 2025-06-06. Review status: criteria provided, single submitter. Criteria: Ambry Variant Classification Scheme 2023. Collection method: clinical testing. Allele origin: germline.

Blueprint Genetics
Classification: Uncertain significance. Last evaluated: 2024-10-31. Review status: criteria provided, single submitter. Criteria: ACMG Guidelines, 2015. Collection method: clinical testing. Allele origin: germline.

Mayo Clinic Laboratories, Mayo Clinic
Classification: Uncertain significance. Last evaluated: 2022-12-23. Review status: criteria provided, single submitter. Criteria: ACMG Guidelines, 2015. Collection method: clinical testing. Allele origin: germline. Observed: 2 variant alleles.
Comment: BP4, PM2

Revvity Omics, Revvity
Classification: Uncertain significance. Last evaluated: 2022-11-28. Review status: criteria provided, single submitter. Criteria: ACMG Guidelines, 2015. Collection method: clinical testing. Allele origin: germline.

NM_201384.3(PLEC):c.6398C>T (p.Ala2133Val)

Gene: PLEC (plectin; minus strand). Cytogenetic location: 8q24.3.
Variant type: single nucleotide variant.
Coding change: c.6398C>T on transcript NM_201384.3 (MANE Select); coding-DNA position 6398, C replaced by T.
Protein change: p.Ala2133Val; replaces alanine 2133 with valine.
Molecular consequence: missense variant.
Genome position (GRCh38, 1-based): chr8:143,923,531, G>A on the plus strand (C>T on the coding strand, the complement: PLEC is on the minus strand). VCF-style: chr8-143923531-G-A. GRCh37 (hg19) VCF-style: chr8-144997699-G-A.
Other names: p.Ala2160Val; c.6479C>T, p.Ala2160Val (NM_000445.5); c.6356C>T, p.Ala2119Val (NM_201378.4); c.6332C>T, p.Ala2111Val (NM_201379.3); c.6809C>T, p.Ala2270Val (NM_201380.4); c.6302C>T, p.Ala2101Val (NM_201381.3); c.6398C>T, p.Ala2133Val (NM_201382.4); c.6410C>T, p.Ala2137Val (NM_201383.3); and 1 more; short protein forms A2160V, A2111V, A2119V, A2133V, A2137V, A2101V, A2270V.
Identifiers: ClinVar variation 845372 (VCV000845372.14), dbSNP rs782011662, ClinGen allele CA4926010.
Genomic context (GRCh38, chr8:143,923,531, plus strand): 5'-TCCGCCTGTGCCCGCCGCGCCGCCTCTTGCTCGGCCTCCTTGCGCAGCTTCTCTGCAGCC[G>A]CCTGTGCCTGAGCCCGGGCCTGTGCCTGCTCCTCTGCCGACTGCTTCAGCCGCTCGGCCT-3'
Protein context (NP_958786.1, residues 2123-2143): EQAQARAQAQ[Ala2133Val]AAEKLRKEAE